The following is an entry in ClinVar:

ClinVar aggregate classification (germline): Uncertain significance. Review status: criteria provided, multiple submitters, no conflicts (2 of 4 stars). 3 submissions from 3 submitters: Uncertain significance (2). 1 of the submissions does not count toward it. Last evaluated 2023-09-13.

Conditions:
IFT74-related disorder. Also called: IFT74-Related Disorders; IFT74-related condition.
Inborn genetic diseases. Identifiers: MedGen C0950123, MeSH D030342.

Allele frequency attached by ClinVar (database versions not stated): ExAC 0.00002; TOPMed 0.00002; gnomAD 0.00003.
gnomAD v4.1: 41 of 1,576,352 alleles (0.0026%); highest among the groups gnomAD compares: Admixed American, 0.0039%; no homozygotes.

Submissions (3):

Ambry Genetics
Classification: Uncertain significance for Inborn genetic diseases. Last evaluated: 2023-09-13. Review status: criteria provided, single submitter. Criteria: Ambry Variant Classification Scheme 2023. Collection method: clinical testing. Allele origin: germline.

Labcorp Genetics (formerly Invitae), Labcorp
Classification: Uncertain significance. Last evaluated: 2022-02-17. Review status: criteria provided, single submitter. Criteria: Invitae Variant Classification Sherloc (09022015). Collection method: clinical testing. Allele origin: germline.
Comment: This sequence change replaces isoleucine, which is neutral and non-polar, with methionine, which is neutral and non-polar, at codon 483 of the IFT74 protein (p.Ile483Met). This variant is present in population databases (rs773255765, gnomAD 0.008%). This variant has not been reported in the literature in individuals affected with IFT74-related conditions. Algorithms developed to predict the effect of missense changes on protein structure and function (SIFT, PolyPhen-2, Align-GVGD) all suggest that this variant is likely to be tolerated. In summary, the available evidence is currently insufficient to determine the role of this variant in disease. Therefore, it has been classified as a Variant of Uncertain Significance.

PreventionGenetics, part of Exact Sciences
Classification: Uncertain significance for IFT74-related condition. Last evaluated: 2024-03-06. Review status: no assertion criteria provided. Collection method: clinical testing. Allele origin: germline. Not counted in ClinVar's aggregate classification.
Comment: The IFT74 c.1449A>G variant is predicted to result in the amino acid substitution p.Ile483Met. To our knowledge, this variant has not been reported in the literature. This variant is reported in 0.0076% of alleles in individuals of African descent in gnomAD. At this time, the clinical significance of this variant is uncertain due to the absence of conclusive functional and genetic evidence.

NM_025103.4(IFT74):c.1449A>G (p.Ile483Met)

Gene: IFT74 (intraflagellar transport 74; plus strand). Cytogenetic location: 9p21.2.
Variant type: single nucleotide variant.
Coding change: c.1449A>G on transcript NM_025103.4 (MANE Select); coding-DNA position 1449, A replaced by G.
Protein change: p.Ile483Met; replaces isoleucine 483 with methionine.
Molecular consequence: missense variant.
Genome position (GRCh38, 1-based): chr9:27,055,724, A>G. VCF-style: chr9-27055724-A-G. GRCh37 (hg19) VCF-style: chr9-27055722-A-G.
Other names: c.1449A>G, p.Ile483Met (NM_001099222.3, NM_001099223.3, NM_001349928.2); c.1449A>G (NM_001099222.1, NM_025103.2); short protein forms I483M.
Identifiers: ClinVar variation 1944272 (VCV001944272.5), dbSNP rs773255765, ClinGen allele CA5015670.
Genomic context (GRCh38, chr9:27,055,724, plus strand): 5'-GACTGAAGAACAGCATTCTCTAAAAAGCAAAATTAAGCAAATGACAACTGATCTGGAGAT[A>G]TATAATGATTTGCCAGCTTTAAAATCATCAGGTGAAGAAAAGATAAAGGTAAATGTTAAC-3'
Protein context (NP_079379.2, residues 473-493): KIKQMTTDLE[Ile483Met]YNDLPALKSS